The following is an entry in ClinVar:

ClinVar aggregate classification (germline): Likely pathogenic (1 of 4 stars; one submission).

Conditions:
Combined immunodeficiency due to ZAP70 deficiency (IMD48). Also called: ZAP70 Deficiency; Immunodeficiency 48. Identifiers: Orphanet 911, MedGen C2931299, MONDO:0010023, OMIM 269840.

Submission:

Labcorp Genetics (formerly Invitae), Labcorp
Classification: Likely pathogenic for Combined immunodeficiency due to ZAP70 deficiency. Last evaluated: 2022-07-11. Review status: criteria provided, single submitter. Criteria: Invitae Variant Classification Sherloc (09022015). Collection method: clinical testing. Allele origin: germline.
Comment: This variant is not present in population databases (gnomAD no frequency). This sequence change affects an acceptor splice site in intron 6 of the ZAP70 gene. It is expected to disrupt RNA splicing. Variants that disrupt the donor or acceptor splice site typically lead to a loss of protein function (PMID: 16199547), and loss-of-function variants in ZAP70 are known to be pathogenic (PMID: 8202712). In summary, the currently available evidence indicates that the variant is pathogenic, but additional data are needed to prove that conclusively. Therefore, this variant has been classified as Likely Pathogenic. Algorithms developed to predict the effect of sequence changes on RNA splicing suggest that this variant may disrupt the consensus splice site. ClinVar contains an entry for this variant (Variation ID: 861386). This variant has not been reported in the literature in individuals affected with ZAP70-related conditions.

Literature cited by the submitters: PubMed 16199547; PubMed 8202712.

NM_001079.4(ZAP70):c.791-1G>A

Gene: ZAP70 (zeta chain of T cell receptor associated protein kinase 70; plus strand). Cytogenetic location: 2q11.2.
Variant type: single nucleotide variant.
Coding change: c.791-1G>A on transcript NM_001079.4 (MANE Select); the canonical splice acceptor site of the intron before coding-DNA position 791, G replaced by A.
Molecular consequence: splice acceptor variant.
Genome position (GRCh38, 1-based): chr2:97,733,296, G>A. VCF-style: chr2-97733296-G-A. GRCh37 (hg19) VCF-style: chr2-98349759-G-A.
Other names: c.791-1G>A (NM_001378594.1).
Identifiers: ClinVar variation 861386 (VCV000861386.8), dbSNP rs1677695565, ClinGen allele CA347798853.
Genomic context (GRCh38, chr2:97,733,296, plus strand): 5'-GGTGGGCGGGGGCGGCAGGAGACCTGGCCCCCAGCCCTCACTGTCCCTTCTGCTCCCCCA[G>A]GGGCTGCTGCTCCCACACTCCCAGCCCACCCATCCACGTTGACTCATGTGAGTTGGGGGC-3'